The following is an entry in ClinVar:

ClinVar aggregate classification (germline): Benign/Likely benign. Review status: criteria provided, multiple submitters, no conflicts (2 of 4 stars). 8 submissions from 8 submitters: Benign (1); Likely benign (6). 1 of the submissions does not count toward it. Last evaluated 2025-12-27.

Conditions:
Charcot-Marie-Tooth disease type 4. Also called: Charcot-Marie-Tooth disease, type IV; Charcot-Marie-Tooth, Type 4. Identifiers: Orphanet 64749, MedGen C4082197, MONDO:0018995.
MTMR2-related disorder. Also called: MTMR2-related condition.
Inborn genetic diseases. Identifiers: MedGen C0950123, MeSH D030342.
Charcot-Marie-Tooth disease type 4B1. Also called: Charcot-Marie-Tooth Neuropathy Type 4B1; CHARCOT-MARIE-TOOTH DISEASE, AUTOSOMAL RECESSIVE, WITH FOCALLY FOLDED MYELIN SHEATHS, AUTOSOMAL RECESSIVE, TYPE 4B1; CHARCOT-MARIE-TOOTH DISEASE, TYPE 4B; CHARCOT-MARIE-TOOTH DISEASE, DEMYELINATING, TYPE 4B1. Identifiers: Orphanet 99955, MedGen C1832399, MONDO:0011066, OMIM 601382.

Submissions (10):

Labcorp Genetics (formerly Invitae), Labcorp
Classification: Likely benign for Charcot-Marie-Tooth disease type 4. Last evaluated: 2025-12-27. Review status: criteria provided, single submitter. Criteria: Invitae Variant Classification Sherloc (09022015). Collection method: clinical testing. Allele origin: germline.

Mayo Clinic Laboratories, Mayo Clinic
Classification: Benign. Last evaluated: 2025-03-18. Review status: criteria provided, single submitter. Criteria: ACMG Guidelines, 2015. Collection method: clinical testing. Allele origin: germline. Observed: 2 variant alleles.
Comment: BA1, BS2, PM4

Blueprint Genetics
Classification: Likely benign. Last evaluated: 2024-11-21. Review status: criteria provided, single submitter. Criteria: ACMG Guidelines, 2015. Collection method: clinical testing. Allele origin: germline.

Genomic Medicine Center of Excellence, King Faisal Specialist Hospital and Research Centre
Classification: Likely benign for Charcot-Marie-Tooth disease type 4B1. Last evaluated: 2024-09-22. Review status: criteria provided, single submitter. Criteria: ACMG Guidelines, 2015. Collection method: clinical testing. Allele origin: germline.

ARUP Laboratories, Molecular Genetics and Genomics, ARUP Laboratories
Classification: Likely benign for Charcot-Marie-Tooth disease type 4B1. Last evaluated: 2024-08-02. Review status: criteria provided, single submitter. Criteria: ARUP Molecular Germline Variant Investigation Process 2024. Collection method: clinical testing. Allele origin: germline.

GeneDx
Classification: Likely benign. Last evaluated: 2021-04-17. Review status: criteria provided, single submitter. Criteria: GeneDx Variant Classification Process June 2021. Collection method: clinical testing. Allele origin: germline. Affected: yes.

Ambry Genetics
Classification: Likely benign for Inborn genetic diseases. Last evaluated: 2019-08-28. Review status: criteria provided, single submitter. Criteria: Ambry Variant Classification Scheme 2023. Collection method: clinical testing. Allele origin: germline.

PreventionGenetics, part of Exact Sciences
Classification: Benign for MTMR2-related condition. Last evaluated: 2024-09-11. Review status: no assertion criteria provided. Collection method: clinical testing. Allele origin: germline. Not counted in ClinVar's aggregate classification.
Comment: This variant is classified as benign based on ACMG/AMP sequence variant interpretation guidelines (Richards et al. 2015 PMID: 25741868, with internal and published modifications).

Dr. Peter K. Rogan Lab, Western University
No classification provided (evidence only). Condition: Colon adenocarcinoma. Review status: no classification provided. Collection method: in vitro. Allele origin: not applicable. Functional consequence: skipped exon. Not counted in ClinVar's aggregate classification.

Dr. Peter K. Rogan Lab, Western University
No classification provided (evidence only). Condition: Melanoma. Review status: no classification provided. Collection method: in vitro. Allele origin: not applicable. Functional consequence: retained intron. Not counted in ClinVar's aggregate classification.

NM_016156.6(MTMR2):c.184_186del (p.Arg62del)

Gene: MTMR2 (myotubularin related protein 2; minus strand). Cytogenetic location: 11q21.
Variant type: Deletion.
Coding change: c.184_186del on transcript NM_016156.6 (MANE Select); coding-DNA positions 184 to 186, 3 bases deleted (AGG; older notation c.184_186delAGG).
Protein change: p.Arg62del; deletes arginine 62.
Molecular consequence: inframe deletion. On other transcripts: 5 prime UTR variant (3).
Genome position (GRCh38, 1-based): chr11:95,888,156-95,888,158, CCT deleted on the plus strand (AGG on the coding strand, the reverse complement: MTMR2 is on the minus strand); deleting any 3 consecutive bases within chr11:95,888,156-95,888,159 gives the same sequence; the c. name uses the placement nearest the transcript's 3' end. VCF-style (leftmost placement, unchanged base first): chr11-95888155-CCCT-C. GRCh37 (hg19) VCF-style: chr11-95621319-CCCT-C.
Other names: p.Arg62del; c.-229_-227del (NM_001243571.2); c.-156AGG[1] (NM_201278.3); c.-33_-31del (NM_201281.3); c.184_186delAGG (NM_016156.5); short protein forms R62del.
Identifiers: ClinVar variation 306547 (VCV000306547.31), dbSNP rs141498429, ClinGen allele CA6240448.